The following is an entry in ClinVar:

ClinVar aggregate classification (germline): Benign/Likely benign. Review status: criteria provided, multiple submitters, no conflicts (2 of 4 stars). 3 submissions from 3 submitters: Benign (1); Likely benign (2). Last evaluated 2024-04-18.

Conditions:
Hereditary cancer-predisposing syndrome. Also called: Tumor predisposition; Hereditary Cancer Syndrome; Hereditary neoplastic syndrome; Neoplastic Syndromes, Hereditary. Identifiers: Orphanet 140162, MedGen C0027672, MeSH D009386, MONDO:0015356.
Familial adenomatous polyposis 1 (FAP1). Also called: FAMILIAL ADENOMATOUS POLYPOSIS 1, ATTENUATED; POLYPOSIS, ADENOMATOUS INTESTINAL. Identifiers: MedGen C2713442, MONDO:0021056, OMIM 175100. Disease mechanism: loss of function.

Allele frequency attached by ClinVar (database versions not stated): TOPMed below 0.00001; gnomAD 0.00001.
gnomAD v4.1: 2 of 1,613,754 alleles (0.00012%); highest among the groups gnomAD compares: African/African-American, 0.0027%; no homozygotes.

Submissions (3):

Labcorp Genetics (formerly Invitae), Labcorp
Classification: Likely benign for Familial adenomatous polyposis 1. Last evaluated: 2024-04-18. Review status: criteria provided, single submitter. Criteria: Invitae Variant Classification Sherloc (09022015). Collection method: clinical testing. Allele origin: germline.

Myriad Genetics, Inc.
Classification: Benign for Familial adenomatous polyposis 1. Last evaluated: 2024-04-05. Review status: criteria provided, single submitter. Criteria: Myriad Autosomal Dominant, Autosomal Recessive and X-Linked Classification Criteria (2023). Collection method: clinical testing. Allele origin: unknown.
Comment: This variant is considered benign. This variant is a silent/synonymous amino acid change and it is not expected to impact splicing.

Ambry Genetics
Classification: Likely benign for Hereditary cancer-predisposing syndrome. Last evaluated: 2019-09-03. Review status: criteria provided, single submitter. Criteria: Ambry Variant Classification Scheme 2023. Collection method: clinical testing. Allele origin: germline.

NM_000038.6(APC):c.6630A>G (p.Ser2210=)

Gene: APC (APC regulator of Wnt signaling pathway; plus strand). Cytogenetic location: 5q22.2.
Variant type: single nucleotide variant.
Coding change: c.6630A>G on transcript NM_000038.6 (MANE Select); coding-DNA position 6630, A replaced by G.
Protein change: p.Ser2210=; no amino-acid change (serine 2210 retained).
Molecular consequence: synonymous variant.
Genome position (GRCh38, 1-based): chr5:112,842,224, A>G. VCF-style: chr5-112842224-A-G. GRCh37 (hg19) VCF-style: chr5-112177921-A-G.
Other names: c.6630A>G, p.Ser2210= (NM_001127510.3, NM_001354895.2); c.6576A>G, p.Ser2192= (NM_001127511.3); c.6684A>G, p.Ser2228= (NM_001354896.2); c.6660A>G, p.Ser2220= (NM_001354897.2); c.6555A>G, p.Ser2185= (NM_001354898.2); c.6546A>G, p.Ser2182= (NM_001354899.2); c.6507A>G, p.Ser2169= (NM_001354900.2); c.6453A>G, p.Ser2151= (NM_001354901.2); and 5 more.
Identifiers: ClinVar variation 537625 (VCV000537625.15), dbSNP rs746725965, ClinGen allele CA446209863.
Genomic context (GRCh38, chr5:112,842,224, plus strand): 5'-AGGAAAAAAAGTTTATAAAAGTTTGATTACTGGAAAAGTTCGATCTAATTCAGAAATTTC[A>G]GGCCAAATGAAACAGCCCCTTCAAGCAAACATGCCTTCAATCTCTCGAGGCAGGACAATG-3'
Protein context (NP_000029.2, residues 2200-2220): TGKVRSNSEI[Ser2210=]GQMKQPLQAN